The following is an entry in ClinVar:

NM_007325.5(GRIA3):c.55G>A (p.Val19Ile)

Gene: GRIA3 (glutamate ionotropic receptor AMPA type subunit 3; plus strand). Cytogenetic location: Xq25.
Variant type: single nucleotide variant.
Coding change: c.55G>A on transcript NM_007325.5 (MANE Select); coding-DNA position 55, G replaced by A.
Protein change: p.Val19Ile; replaces valine 19 with isoleucine.
Molecular consequence: missense variant.
Genome position (GRCh38, 1-based): chrX:123,184,590, G>A. VCF-style: chrX-123184590-G-A. GRCh37 (hg19) VCF-style: chrX-122318442-G-A.
Other names: c.55G>A, p.Val19Ile (NM_000828.5, NM_001256743.2); short protein forms V19I.
Identifiers: ClinVar variation 1441870 (VCV001441870.8), dbSNP rs747644263, ClinGen allele CA10506808.

ClinVar aggregate classification (germline): Uncertain significance (1 of 4 stars; one submission).

Allele frequency attached by ClinVar (database versions not stated): ExAC 0.00001; gnomAD exomes 0.00001.
gnomAD v4.1: 8 of 1,210,096 alleles (0.00066%); highest among the groups gnomAD compares: Non-Finnish European, 0.00089%; no homozygotes.

Submission:

Labcorp Genetics (formerly Invitae), Labcorp
Classification: Uncertain significance. Last evaluated: 2022-06-13. Review status: criteria provided, single submitter. Criteria: Invitae Variant Classification Sherloc (09022015). Collection method: clinical testing. Allele origin: germline.
Comment: In summary, the available evidence is currently insufficient to determine the role of this variant in disease. Therefore, it has been classified as a Variant of Uncertain Significance. Algorithms developed to predict the effect of missense changes on protein structure and function (SIFT, PolyPhen-2, Align-GVGD) all suggest that this variant is likely to be tolerated. This variant has not been reported in the literature in individuals affected with GRIA3-related conditions. This variant is present in population databases (rs747644263, gnomAD 0.002%). This sequence change replaces valine, which is neutral and non-polar, with isoleucine, which is neutral and non-polar, at codon 19 of the GRIA3 protein (p.Val19Ile).